The following is an entry in ClinVar:

NM_000368.5(TSC1):c.1058G>A (p.Cys353Tyr)

Gene: TSC1 (TSC complex subunit 1; minus strand). Cytogenetic location: 9q34.13.
Variant type: single nucleotide variant.
Coding change: c.1058G>A on transcript NM_000368.5 (MANE Select); coding-DNA position 1058, G replaced by A.
Protein change: p.Cys353Tyr; replaces cysteine 353 with tyrosine.
Molecular consequence: missense variant.
Genome position (GRCh38, 1-based): chr9:132,911,085, C>T on the plus strand (G>A on the coding strand, the complement: TSC1 is on the minus strand). VCF-style: chr9-132911085-C-T. GRCh37 (hg19) VCF-style: chr9-135786472-C-T.
Other names: c.1058G>A, p.Cys353Tyr (NM_001162426.2); c.905G>A, p.Cys302Tyr (NM_001162427.2); c.695G>A, p.Cys232Tyr (NM_001362177.2); short protein forms C353Y, C232Y, C302Y.
Identifiers: ClinVar variation 232846 (VCV000232846.19), dbSNP rs876660024, ClinGen allele CA10578830.

ClinVar aggregate classification (germline): Conflicting classifications of pathogenicity. Review status: criteria provided, conflicting classifications (1 of 4 stars). 5 submissions from 5 submitters: Uncertain significance (4); Benign (1). Last evaluated 2026-04-16.

Conditions:
Hereditary cancer-predisposing syndrome. Also called: Neoplastic Syndromes, Hereditary; Hereditary Cancer Syndrome; Tumor predisposition; Hereditary neoplastic syndrome. Identifiers: Orphanet 140162, MedGen C0027672, MeSH D009386, MONDO:0015356.
Tuberous sclerosis 1 (TSC1). Identifiers: Orphanet 805, MedGen C1854465, MONDO:0008612, OMIM 191100.
Tuberous sclerosis syndrome (TSC). Also called: Tuberous Sclerosis Complex; Tuberous sclerosis. Identifiers: Orphanet 805, MedGen C0041341, MONDO:0001734.

Allele frequency attached by ClinVar (database versions not stated): TOPMed 0.00002; gnomAD 0.00001.
gnomAD v4.1: 3 of 1,614,020 alleles (0.00019%); highest among the groups gnomAD compares: Admixed American, 0.0017%; no homozygotes.

Submissions (5):

Ambry Genetics
Classification: Uncertain significance for Hereditary cancer-predisposing syndrome. Last evaluated: 2026-04-16. Review status: criteria provided, single submitter. Criteria: Ambry Variant Classification Scheme 2023. Collection method: clinical testing. Allele origin: germline.

Labcorp Genetics (formerly Invitae), Labcorp
Classification: Benign for Tuberous sclerosis 1. Last evaluated: 2025-11-23. Review status: criteria provided, single submitter. Criteria: Invitae Variant Classification Sherloc (09022015). Collection method: clinical testing. Allele origin: germline.

Color Diagnostics, LLC DBA Color Health
Classification: Uncertain significance for Tuberous sclerosis syndrome. Last evaluated: 2025-06-06. Review status: criteria provided, single submitter. Criteria: ACMG Guidelines, 2015. Collection method: clinical testing. Allele origin: germline.
Comment: This missense variant replaces cysteine with tyrosine at codon 353 of the TSC1 protein. Computational prediction suggests that this variant may have deleterious impact on protein structure and function. To our knowledge, functional studies have not been reported for this variant. This variant has not been reported in individuals affected with TSC1-related disorders in the literature. This variant has not been identified in the general population by the Genome Aggregation Database (gnomAD). The available evidence is insufficient to determine the role of this variant in disease conclusively. Therefore, this variant is classified as a Variant of Uncertain Significance.

All of Us Research Program, National Institutes of Health
Classification: Uncertain significance for Tuberous sclerosis syndrome. Last evaluated: 2023-06-26. Review status: criteria provided, single submitter. Criteria: ACMG Guidelines, 2015. Collection method: clinical testing. Allele origin: germline. Inheritance: Autosomal dominant inheritance. Observed: 1 variant allele, 1 heterozygote.
Comment: This missense variant replaces cysteine with tyrosine at codon 353 of the TSC1 protein. Computational prediction suggests that this variant may have deleterious impact on protein structure and function (internally defined REVEL score threshold >= 0.7, PMID: 27666373). To our knowledge, functional studies have not been reported for this variant. This variant has not been reported in individuals affected with TSC1-related disorders in the literature. This variant has not been identified in the general population by the Genome Aggregation Database (gnomAD). The available evidence is insufficient to determine the role of this variant in disease conclusively. Therefore, this variant is classified as a Variant of Uncertain Significance.

This study involves interpretation of variants in research participants for the purpose of population health screening. Participant phenotype was not available at the time of variant classification. Additional details can be found in publication PMID: 35346344, PMCID: PMC8962531

Genome-Nilou Lab
Classification: Uncertain significance for Tuberous sclerosis 1. Last evaluated: 2021-11-07. Review status: criteria provided, single submitter. Criteria: ACMG Guidelines, 2015. Collection method: clinical testing. Allele origin: germline. Affected: no.